The following is an entry in ClinVar:

ClinVar aggregate classification (germline): Uncertain significance (1 of 4 stars; one submission).

gnomAD v4.1: 8 of 1,614,148 alleles (0.0005%); highest among the groups gnomAD compares: Non-Finnish European, 0.00051%; no homozygotes.

Submission:

Ambry Genetics
Classification: Uncertain significance. Last evaluated: 2025-03-28. Review status: criteria provided, single submitter. Criteria: Ambry Variant Classification Scheme 2023. Collection method: clinical testing. Allele origin: germline.
Comment: The p.A140V variant (also known as c.419C>T), located in coding exon 3 of the GEN1 gene, results from a C to T substitution at nucleotide position 419. The alanine at codon 140 is replaced by valine, an amino acid with similar properties. This amino acid position is conserved. In addition, this alteration is predicted to be deleterious by in silico analysis. Based on the available evidence, the clinical significance of this variant remains unclear.

NM_001130009.3(GEN1):c.419C>T (p.Ala140Val)

Gene: GEN1 (GEN1 Holliday junction 5' flap endonuclease; plus strand). Cytogenetic location: 2p24.2.
Variant type: single nucleotide variant.
Coding change: c.419C>T on transcript NM_001130009.3 (MANE Select); coding-DNA position 419, C replaced by T.
Protein change: p.Ala140Val; replaces alanine 140 with valine.
Molecular consequence: missense variant.
Genome position (GRCh38, 1-based): chr2:17,764,967, C>T. VCF-style: chr2-17764967-C-T. GRCh37 (hg19) VCF-style: chr2-17946234-C-T.
Other names: c.419C>T, p.Ala140Val (NM_182625.5); short protein forms A140V.
Identifiers: ClinVar variation 4029170 (VCV004029170.1).